The following is an entry in ClinVar:

NM_000268.4(NF2):c.999+2_999+3del

Gene: NF2 (NF2, moesin-ezrin-radixin like (MERLIN) tumor suppressor; plus strand). Cytogenetic location: 22q12.2.
Variant type: Deletion.
Coding change: c.999+2_999+3del on transcript NM_000268.4 (MANE Select); the canonical splice donor site of the intron after coding-DNA position 999 through 3 bases into the intron after coding-DNA position 999, 2 bases deleted (TG; older notation c.999+2_999+3delTG).
Molecular consequence: splice donor variant. On other transcripts: intron variant (1).
Genome position (GRCh38, 1-based): chr22:29,668,448-29,668,449, TG deleted; deleting any 2 consecutive bases within chr22:29,668,447-29,668,449 gives the same sequence; the c. name uses the placement nearest the transcript's 3' end. VCF-style (leftmost placement, unchanged base first): chr22-29668446-GGT-G. GRCh37 (hg19) VCF-style: chr22-30064435-GGT-G.
Other names: c.999+2_999+3del (NM_016418.5, NM_181832.3, NM_001407060.1 and 2 more transcripts); c.885+2_885+3del (NM_001407056.1, NM_001407053.1); c.768+2_768+3del (NM_001407067.1); c.465+2_465+3del (NM_001407065.1); c.864+2_864+3del (NM_001407059.1, NM_001407057.1); c.447+26163_447+26164del (NM_181833.3); c.876+2_876+3del (NM_001407058.1, NM_181829.3, NM_001407054.1); c.741+2_741+3del (NM_001407062.1); and 2 more.
Identifiers: ClinVar variation 2831995 (VCV002831995.3), dbSNP rs2518646706, ClinGen allele CA2739267866.

ClinVar aggregate classification (germline): Pathogenic (1 of 4 stars; one submission).

Conditions:
Neurofibromatosis, type 2 (SWNV). Also called: BILATERAL ACOUSTIC NEUROFIBROMATOSIS; NF2-Related Schwannomatosis; SCHWANNOMATOSIS, VESTIBULAR. Identifiers: Orphanet 637, MedGen C0027832, MONDO:0007039, OMIM 101000. Disease mechanism: loss of function.

Submission:

Labcorp Genetics (formerly Invitae), Labcorp
Classification: Pathogenic for Neurofibromatosis, type 2. Last evaluated: 2023-10-21. Review status: criteria provided, single submitter. Criteria: Invitae Variant Classification Sherloc (09022015). Collection method: clinical testing. Allele origin: germline.
Comment: This sequence change affects a splice site in intron 10 of the NF2 gene. It is expected to disrupt RNA splicing. Variants that disrupt the donor or acceptor splice site typically lead to a loss of protein function (PMID: 16199547), and loss-of-function variants in NF2 are known to be pathogenic (PMID: 9643284, 16983642). This variant is not present in population databases (gnomAD no frequency). Disruption of this splice site has been observed in individual(s) with clinical features of schwannomatosis (Invitae). In at least one individual the variant was observed to be de novo. Algorithms developed to predict the effect of sequence changes on RNA splicing suggest that this variant may disrupt the consensus splice site. For these reasons, this variant has been classified as Pathogenic.

Literature cited by the submitters: PubMed 16199547; PubMed 9643284; PubMed 16983642.